The following is an entry in ClinVar:

ClinVar aggregate classification (germline): Uncertain significance (1 of 4 stars; one submission).

Conditions:
Leber congenital amaurosis 13 (LCA13). Identifiers: MedGen C2675186, MONDO:0012990, OMIM 612712.

gnomAD v4.1: 3 of 1,614,092 alleles (0.00019%); highest among the groups gnomAD compares: East Asian, 0.0022%; no homozygotes.

Submission:

Labcorp Genetics (formerly Invitae), Labcorp
Classification: Uncertain significance for Leber congenital amaurosis 13. Last evaluated: 2024-05-15. Review status: criteria provided, single submitter. Criteria: Invitae Variant Classification Sherloc (09022015). Collection method: clinical testing. Allele origin: germline.
Comment: This sequence change replaces serine, which is neutral and polar, with proline, which is neutral and non-polar, at codon 134 of the RDH12 protein (p.Ser134Pro). This variant is not present in population databases (gnomAD no frequency). This missense change has been observed in individuals with autosomal recessive retinitis pigmentosa (PMID: 30372751, 30979730; Invitae). Advanced modeling of protein sequence and biophysical properties (such as structural, functional, and spatial information, amino acid conservation, physicochemical variation, residue mobility, and thermodynamic stability) performed at Invitae indicates that this missense variant is not expected to disrupt RDH12 protein function with a negative predictive value of 80%. This variant disrupts the p.Ser134 amino acid residue in RDH12. Other variant(s) that disrupt this residue have been observed in individuals with RDH12-related conditions (PMID: 35006499), which suggests that this may be a clinically significant amino acid residue. In summary, the available evidence is currently insufficient to determine the role of this variant in disease. Therefore, it has been classified as a Variant of Uncertain Significance.

Literature cited by the submitters: PubMed 30372751; PubMed 30979730; PubMed 35006499.

NM_152443.3(RDH12):c.400T>C (p.Ser134Pro)

Genes: GPHN (gephyrin; plus strand), RDH12 (retinol dehydrogenase 12; plus strand). Cytogenetic location: 14q24.1.
Variant type: single nucleotide variant.
Coding change: c.400T>C on transcript NM_152443.3 (MANE Select); coding-DNA position 400, T replaced by C.
Protein change: p.Ser134Pro; replaces serine 134 with proline.
Molecular consequence: missense variant.
Genome position (GRCh38, 1-based): chr14:67,726,107, T>C. VCF-style: chr14-67726107-T-C. GRCh37 (hg19) VCF-style: chr14-68192824-T-C.
Other names: short protein forms S134P.
Identifiers: ClinVar variation 3706396 (VCV003706396.2).